The following is an entry in ClinVar:

ClinVar aggregate classification (germline): Uncertain significance (1 of 4 stars; one submission).

Conditions:
Hereditary cancer-predisposing syndrome. Also called: Hereditary Cancer Syndrome; Hereditary neoplastic syndrome; Neoplastic Syndromes, Hereditary; Tumor predisposition. Identifiers: Orphanet 140162, MedGen C0027672, MeSH D009386, MONDO:0015356.

gnomAD v4.1: 1 of 1,611,548 alleles (0.000062%); highest among the groups gnomAD compares: South Asian, 0.0011%; no homozygotes.

Submission:

Ambry Genetics
Classification: Uncertain significance for Hereditary cancer-predisposing syndrome. Last evaluated: 2024-08-07. Review status: criteria provided, single submitter. Criteria: Ambry Variant Classification Scheme 2023. Collection method: clinical testing. Allele origin: germline.
Comment: The p.H346R variant (also known as c.1037A>G), located in coding exon 5 of the SMARCA4 gene, results from an A to G substitution at nucleotide position 1037. The histidine at codon 346 is replaced by arginine, an amino acid with highly similar properties. This amino acid position is well conserved in available vertebrate species. In addition, the in silico prediction for this alteration is inconclusive. Based on the available evidence, the clinical significance of this variant remains unclear.

NM_003072.5(SMARCA4):c.1037A>G (p.His346Arg)

Gene: SMARCA4 (SWI/SNF related BAF chromatin remodeling complex subunit ATPase 4; plus strand). Cytogenetic location: 19p13.2.
Variant type: single nucleotide variant.
Coding change: c.1037A>G on transcript NM_003072.5 (MANE Select); coding-DNA position 1037, A replaced by G.
Protein change: p.His346Arg; replaces histidine 346 with arginine.
Molecular consequence: missense variant. On other transcripts: non-coding transcript variant (1).
Genome position (GRCh38, 1-based): chr19:10,987,843, A>G. VCF-style: chr19-10987843-A-G. GRCh37 (hg19) VCF-style: chr19-11098519-A-G.
Other names: c.1037A>G, p.His346Arg (NM_001128844.3, NM_001128845.2, NM_001128846.2 and 6 more transcripts); short protein forms H346R.
Identifiers: ClinVar variation 1772848 (VCV001772848.3), dbSNP rs2514047652, ClinGen allele CA404058679.